The following is an entry in ClinVar:

NM_000104.4(CYP1B1):c.1099dup (p.Asp367fs)

Gene: CYP1B1 (cytochrome P450 family 1 subfamily B member 1; minus strand). Cytogenetic location: 2p22.2.
Variant type: Duplication.
Coding change: c.1099dup on transcript NM_000104.4 (MANE Select); coding-DNA position 1099, one base duplicated (G; older notation c.1099dupG).
Protein change: p.Asp367fs; shifts the reading frame from aspartic acid 367.
Molecular consequence: frameshift variant.
Genome position (GRCh38, 1-based): chr2:38,071,255, C duplicated on the plus strand (G on the coding strand, the reverse complement: CYP1B1 is on the minus strand); the first of 3 consecutive C bases (chr2:38,071,255-38,071,257); duplicating any one gives the same sequence. VCF-style (leftmost placement, unchanged base first): chr2-38071254-T-TC. GRCh37 (hg19) VCF-style: chr2-38298397-T-TC.
Other names: short protein forms D367fs.
Identifiers: ClinVar variation 1210852 (VCV001210852.4), dbSNP rs2125314883, ClinGen allele CA2499215928.
Genomic context (GRCh38, chr2:38,071,254, plus strand): 5'-TCATAAAGGAAGGCCAGGACATAGGGCAGGTTGGGCTGGTCACCCATACAAGGCAGACGG[T>TC]CCCTCCCCACGACCTGATCCAATTCTGCCTGCACTCGAGTCTGCACATCAGGATACCTGT-3'

ClinVar aggregate classification (germline): Likely pathogenic. Review status: criteria provided, multiple submitters, no conflicts (2 of 4 stars). 2 submissions from 2 submitters: Likely pathogenic (2). Last evaluated 2022-04-05.

Conditions:
Glaucoma 3A. Also called: Glaucoma 3, primary congenital, A. Identifiers: Orphanet 98976, Orphanet 98977, MedGen C1856439, MONDO:0009277, OMIM 231300.
Glaucoma 3, primary infantile, B. Also called: GLC3B; GLC3 type B; Primary congenital glaucoma type 3B; Glaucoma primary congenita type 3B; GLAUCOMA, PRIMARY CONGENITAL, TYPE B. Identifiers: Orphanet 98976, MedGen C1832977, MONDO:0010968, OMIM 600975.
Anterior segment dysgenesis 6 (ASGD6). Also called: Anterior segment dysgenesis 6, multiple subtypes. Identifiers: MedGen C4310623, MONDO:0015016, OMIM 617315.

Submissions (2):

Fulgent Genetics
Classification: Likely pathogenic for Glaucoma 3A; Glaucoma 3, primary infantile, B; Anterior segment dysgenesis 6. Last evaluated: 2022-04-05. Review status: criteria provided, single submitter. Criteria: ACMG Guidelines, 2015. Collection method: clinical testing. Allele origin: unknown.

GeneDx
Classification: Likely pathogenic. Last evaluated: 2019-08-22. Review status: criteria provided, single submitter. Criteria: GeneDx Variant Classification Process June 2021. Collection method: clinical testing. Allele origin: germline. Affected: yes.
Comment: Frameshift variant in the C-terminus predicted to result in protein truncation, as the last 177 amino acids are lost and replaced with 7 incorrect amino acids; Not observed in large population cohorts (Lek et al., 2016); Has not been previously published as pathogenic or benign to our knowledge